The following is an entry in ClinVar:

ClinVar aggregate classification (germline): Likely benign. Review status: criteria provided, multiple submitters, no conflicts (2 of 4 stars). 2 submissions from 2 submitters: Likely benign (2). Last evaluated 2023-12-20.

Conditions:
Fanconi anemia (FA). Also called: Fanconi's anemia. Identifiers: Orphanet 84, MedGen C0015625, MeSH D005199, MONDO:0019391.

Allele frequency attached by ClinVar (database versions not stated): TOPMed below 0.00001.

Submissions (2):

Labcorp Genetics (formerly Invitae), Labcorp
Classification: Likely benign for Fanconi anemia. Last evaluated: 2023-12-20. Review status: criteria provided, single submitter. Criteria: Invitae Variant Classification Sherloc (09022015). Collection method: clinical testing. Allele origin: germline.

GeneDx
Classification: Likely benign. Last evaluated: 2016-12-13. Review status: criteria provided, single submitter. Criteria: GeneDx Variant Classification (06012015). Collection method: clinical testing. Allele origin: germline. Affected: yes.
Comment: This variant is considered likely benign or benign based on one or more of the following criteria: it is a conservative change, it occurs at a poorly conserved position in the protein, it is predicted to be benign by multiple in silico algorithms, and/or has population frequency not consistent with disease.

NM_000136.3(FANCC):c.-66C>T

Gene: FANCC (FA complementation group C; minus strand). Cytogenetic location: 9q22.32.
Variant type: single nucleotide variant.
Coding change: c.-66C>T on transcript NM_000136.3 (MANE Select); 66 bases upstream of the start codon, C replaced by T.
Molecular consequence: 5 prime UTR variant.
Genome position (GRCh38, 1-based): chr9:95,249,357, G>A on the plus strand (C>T on the coding strand, the complement: FANCC is on the minus strand). VCF-style: chr9-95249357-G-A. GRCh37 (hg19) VCF-style: chr9-98011639-G-A.
Other names: c.-66C>T (NM_001243743.2, NM_001243744.2).
Identifiers: ClinVar variation 391820 (VCV000391820.4), dbSNP rs1057524245, ClinGen allele CA16605910.
Genomic context (GRCh38, chr9:95,249,357, plus strand): 5'-AAAAAGCGAAAAGGTGATGTCCCTTCACAGCAGCCTGTCCAGCACTGAAGGAAATGGTCG[G>A]CACACATTAAATCTGTAAGAAAGGGAACAAATAGAAGCATTTCTAAAAGGCTCTTTTATC-3'